The following is an entry in ClinVar:

ClinVar aggregate classification (germline): Conflicting classifications of pathogenicity. Review status: criteria provided, conflicting classifications (1 of 4 stars). 8 submissions from 8 submitters: Likely pathogenic (1); Uncertain significance (5). 2 of the submissions do not count toward it. Last evaluated 2026-09-23.

Conditions:
MYO7A-related disorder. Also called: MYO7A-related disorders.
Autosomal recessive nonsyndromic hearing loss 2. Also called: DEAFNESS, AUTOSOMAL RECESSIVE 2; NEUROSENSORY NONSYNDROMIC RECESSIVE DEAFNESS 2. Identifiers: Orphanet 90636, MedGen C1838701, MONDO:0010807, OMIM 600060.
Usher syndrome type 1 (USH1). Also called: RETINITIS PIGMENTOSA AND CONGENITAL DEAFNESS. Identifiers: Orphanet 231169, Orphanet 886, MedGen C1568247, MONDO:0010168, OMIM 276900.
Inborn genetic diseases. Identifiers: MedGen C0950123, MeSH D030342.
Usher syndrome type 1B (USH1B). Also called: Usher syndrome type IB. Identifiers: MedGen C1848638, MONDO:0700087.

Allele frequency attached by ClinVar (database versions not stated): TOPMed 0.00002.
gnomAD v4.1: 16 of 1,575,956 alleles (0.001%); highest among the groups gnomAD compares: Non-Finnish European, 0.0012%; no homozygotes.

Submissions (8):

PreventionGenetics, part of Exact Sciences
Classification: Uncertain significance for MYO7A-related condition. Last evaluated: 2026-09-23. Review status: criteria provided, single submitter. Criteria: ACMG Guidelines, 2015. Collection method: clinical testing. Allele origin: germline.
Comment: The MYO7A c.5494C>T variant is predicted to result in the amino acid substitution p.Arg1832Trp. To our knowledge, this variant has not been reported in the literature. This variant is reported in 0.0057% of alleles in individuals of European (Finnish) descent in gnomAD. At this time, the clinical significance of this variant is uncertain due to the absence of conclusive functional and genetic evidence.

Ambry Genetics
Classification: Uncertain significance for Inborn genetic diseases. Last evaluated: 2025-02-07. Review status: criteria provided, single submitter. Criteria: Ambry Variant Classification Scheme 2023. Collection method: clinical testing. Allele origin: germline.

Blueprint Genetics
Classification: Uncertain significance. Last evaluated: 2024-10-23. Review status: criteria provided, single submitter. Criteria: ACMG Guidelines, 2015. Collection method: clinical testing. Allele origin: germline.

Clinical Genetics Laboratory, Skane University Hospital Lund
Classification: Likely pathogenic. Last evaluated: 2022-08-23. Review status: criteria provided, single submitter. Criteria: ACMG Guidelines, 2015. Collection method: clinical testing. Allele origin: germline. Affected: yes.

Laboratory for Molecular Medicine, Mass General Brigham Personalized Medicine
Classification: Uncertain significance. Last evaluated: 2015-02-20. Review status: criteria provided, single submitter. Criteria: LMM Criteria. Collection method: clinical testing. Allele origin: germline. Observed: 4 variant alleles.
Comment: The p.Arg1832Trp variant in MYO7A has not been previously reported in individual s with hearing loss but has been identified in 1/12192 of European chromosomes b y the Exome Aggregation Consortium (ExAC). Altho ugh this variant has been seen in the general population, its frequency is not h igh enough to rule out a pathogenic role. Computational prediction tools and con servation analyses suggest that the p.Arg1832Trp variant may impact the protein, though this information is not predictive enough to determine pathogenicity. In summary, the clinical significance of the p.Arg1832Trp variant is uncertain.

Eurofins Ntd Llc (ga)
Classification: Uncertain significance. Last evaluated: 2015-01-20. Review status: criteria provided, single submitter. Criteria: EGL Classification Definitions 2015. Collection method: clinical testing. Allele origin: germline. Observed: 1 variant allele, 1 heterozygote.

Natera, Inc.
Classification: Uncertain significance for Usher syndrome type 1B. Last evaluated: 2020-02-14. Review status: no assertion criteria provided. Collection method: clinical testing. Allele origin: germline. Not counted in ClinVar's aggregate classification.

Counsyl
Classification: Uncertain significance for Usher syndrome type 1; Autosomal recessive nonsyndromic hearing loss 2. Last evaluated: 2017-06-21. Review status: no assertion criteria provided. Collection method: clinical testing. Allele origin: unknown. Not counted in ClinVar's aggregate classification.

NM_000260.4(MYO7A):c.5494C>T (p.Arg1832Trp)

Gene: MYO7A (myosin VIIA; plus strand). Cytogenetic location: 11q13.5.
Variant type: single nucleotide variant.
Coding change: c.5494C>T on transcript NM_000260.4 (MANE Select); coding-DNA position 5494, C replaced by T.
Protein change: p.Arg1832Trp; replaces arginine 1832 with tryptophan.
Molecular consequence: missense variant.
Genome position (GRCh38, 1-based): chr11:77,205,475, C>T. VCF-style: chr11-77205475-C-T. GRCh37 (hg19) VCF-style: chr11-76916520-C-T.
Other names: c.5380C>T, p.Arg1794Trp (NM_001127180.2); c.5347C>T, p.Arg1783Trp (NM_001369365.1); short protein forms R1832W, R1783W, R1794W.
Identifiers: ClinVar variation 197405 (VCV000197405.13), dbSNP rs748080151, ClinGen allele CA245510.